The following is an entry in ClinVar:

ClinVar aggregate classification (germline): Uncertain significance. Review status: criteria provided, multiple submitters, no conflicts (2 of 4 stars). 2 submissions from 2 submitters: Uncertain significance (2). Last evaluated 2026-05-07.

Conditions:
Inborn genetic diseases. Identifiers: MedGen C0950123, MeSH D030342.
3-methylglutaconic aciduria, type VIIB (MGCA7B). Also called: CLPB Deficiency; 3-methylglutaconic aciduria with cataracts, neurologic involvement and neutropenia; 3-methylglutaconic aciduria, type VII, with cataracts, neurologic involvement and neutropenia. Identifiers: Orphanet 445038, MedGen C5676893, MONDO:0014561, OMIM 616271.

Allele frequency attached by ClinVar (database versions not stated): ExAC 0.00001; gnomAD exomes below 0.00001.
gnomAD v4.1: 6 of 1,614,182 alleles (0.00037%); highest among the groups gnomAD compares: Non-Finnish European, 0.00042%; no homozygotes.

Submissions (2):

Ambry Genetics
Classification: Uncertain significance for Inborn genetic diseases. Last evaluated: 2026-05-07. Review status: criteria provided, single submitter. Criteria: Ambry Variant Classification Scheme 2023. Collection method: clinical testing. Allele origin: germline.

Labcorp Genetics (formerly Invitae), Labcorp
Classification: Uncertain significance for 3-methylglutaconic aciduria, type VIIB. Last evaluated: 2025-04-01. Review status: criteria provided, single submitter. Criteria: Invitae Variant Classification Sherloc (09022015). Collection method: clinical testing. Allele origin: germline.
Comment: This sequence change replaces leucine, which is neutral and non-polar, with phenylalanine, which is neutral and non-polar, at codon 464 of the CLPB protein (p.Leu464Phe). This variant is present in population databases (rs758030499, gnomAD 0.0009%). This variant has not been reported in the literature in individuals affected with CLPB-related conditions. ClinVar contains an entry for this variant (Variation ID: 1355240). An algorithm developed to predict the effect of missense changes on protein structure and function (PolyPhen-2) suggests that this variant is likely to be disruptive. In summary, the available evidence is currently insufficient to determine the role of this variant in disease. Therefore, it has been classified as a Variant of Uncertain Significance.

NM_001258392.3(CLPB):c.1300C>T (p.Leu434Phe)

Genes: CLPB (ClpB family mitochondrial disaggregase; minus strand), LOC126861258 (MED14-independent group 3 enhancer GRCh37_chr11:72012242-72013441; plus strand). Cytogenetic location: 11q13.4.
Variant type: single nucleotide variant.
Coding change: c.1300C>T on transcript NM_001258392.3 (MANE Select); coding-DNA position 1300, C replaced by T.
Protein change: p.Leu434Phe; replaces leucine 434 with phenylalanine.
Molecular consequence: missense variant.
Genome position (GRCh38, 1-based): chr11:72,301,832, G>A on the plus strand (C>T on the coding strand, the complement: CLPB is on the minus strand). VCF-style: chr11-72301832-G-A. GRCh37 (hg19) VCF-style: chr11-72012876-G-A.
Other names: c.1213C>T, p.Leu405Phe (NM_001258393.3); c.1255C>T, p.Leu419Phe (NM_001258394.3); c.1390C>T, p.Leu464Phe (NM_030813.6); c.1390C>T (NM_030813.3); short protein forms L419F, L434F, L464F, L405F.
Identifiers: ClinVar variation 1355240 (VCV001355240.11), dbSNP rs758030499, ClinGen allele CA6171219.